The following is an entry in ClinVar:

ClinVar aggregate classification (germline): Conflicting classifications of pathogenicity. Review status: criteria provided, conflicting classifications (1 of 4 stars). 2 submissions from 2 submitters: Uncertain significance (1); Likely benign (1). Last evaluated 2023-03-23.

Conditions:
Hereditary cancer-predisposing syndrome. Also called: Neoplastic Syndromes, Hereditary; Tumor predisposition; Hereditary Cancer Syndrome; Hereditary neoplastic syndrome. Identifiers: Orphanet 140162, MedGen C0027672, MeSH D009386, MONDO:0015356.

Allele frequency attached by ClinVar (database versions not stated): gnomAD exomes below 0.00001.
gnomAD v4.1: 1 of 1,599,012 alleles (0.000063%); highest among the groups gnomAD compares: Non-Finnish European, 0.000085%; no homozygotes.

Submissions (2):

University of Washington Department of Laboratory Medicine, University of Washington
Classification: Likely benign for Hereditary cancer-predisposing syndrome. Last evaluated: 2023-03-23. Review status: criteria provided, single submitter. Criteria: Dines et al. (Genet Med. 2020). Collection method: curation. Allele origin: germline.
Comment: Missense variant in a coldspot region where missense variants are very unlikely to be pathogenic (PMID:31911673).

BRCA2 exon 11 coldspot. Reclassification based on statistical prior probability.

Ambry Genetics
Classification: Uncertain significance for Hereditary cancer-predisposing syndrome. Last evaluated: 2021-05-05. Review status: criteria provided, single submitter. Criteria: Ambry Variant Classification Scheme 2023. Collection method: clinical testing. Allele origin: germline.
Comment: The p.K1108N variant (also known as c.3324G>C), located in coding exon 10 of the BRCA2 gene, results from a G to C substitution at nucleotide position 3324. The lysine at codon 1108 is replaced by asparagine, an amino acid with similar properties. This amino acid position is not well conserved in available vertebrate species. In addition, this alteration is predicted to be tolerated by in silico analysis. Since supporting evidence is limited at this time, the clinical significance of this alteration remains unclear.

NM_000059.4(BRCA2):c.3324G>C (p.Lys1108Asn)

Gene: BRCA2 (BRCA2 DNA repair associated; plus strand). Cytogenetic location: 13q13.1.
Variant type: single nucleotide variant.
Coding change: c.3324G>C on transcript NM_000059.4 (MANE Select); coding-DNA position 3324, G replaced by C.
Protein change: p.Lys1108Asn; replaces lysine 1108 with asparagine.
Molecular consequence: missense variant.
Genome position (GRCh38, 1-based): chr13:32,337,679, G>C. VCF-style: chr13-32337679-G-C. GRCh37 (hg19) VCF-style: chr13-32911816-G-C.
Other names: c.3324G>C, p.Lys1108Asn (NM_001406719.1, NM_001406720.1); short protein forms K1108N.
Identifiers: ClinVar variation 1730235 (VCV001730235.4), dbSNP rs1555283170, ClinGen allele CA387776249.
Genomic context (GRCh38, chr13:32,337,679, plus strand): 5'-TCAGATGTTATTTTCCAAGCAGGATTTTAATTCAAACCATAATTTAACACCTAGCCAAAA[G>C]GCAGAAATTACAGAACTTTCTACTATATTAGAAGAATCAGGAAGTCAGTTTGAATTTACT-3'
Protein context (NP_000050.3, residues 1098-1118): NSNHNLTPSQ[Lys1108Asn]AEITELSTIL